The following is an entry in ClinVar:

ClinVar aggregate classification (germline): Uncertain significance (1 of 4 stars; one submission).

Conditions:
Benign neonatal seizures. Also called: Benign neonatal familial convulsions; Benign familial neonatal seizures; Convulsions benign familial neonatal dominant form; Autosomal dominant form of benign neonatal seizures; Benign familial neonatal epilepsy. Identifiers: Orphanet 1949, MedGen C0220669, MONDO:0016027.

Allele frequency attached by ClinVar (database versions not stated): gnomAD exomes below 0.00001.
gnomAD v4.1: 1 of 1,614,164 alleles (0.000062%); highest among the groups gnomAD compares: Non-Finnish European, 0.000085%; no homozygotes.

Submission:

Labcorp Genetics (formerly Invitae), Labcorp
Classification: Uncertain significance for Benign neonatal seizures. Last evaluated: 2020-01-02. Review status: criteria provided, single submitter. Criteria: Invitae Variant Classification Sherloc (09022015). Collection method: clinical testing. Allele origin: germline.
Comment: This sequence change replaces arginine with glycine at codon 676 of the KCNQ3 protein (p.Arg676Gly). The arginine residue is moderately conserved and there is a moderate physicochemical difference between arginine and glycine. In summary, the available evidence is currently insufficient to determine the role of this variant in disease. Therefore, it has been classified as a Variant of Uncertain Significance. Algorithms developed to predict the effect of missense changes on protein structure and function (SIFT, PolyPhen-2, Align-GVGD) all suggest that this variant is likely to be tolerated, but these predictions have not been confirmed by published functional studies and their clinical significance is uncertain. This variant has not been reported in the literature in individuals with KCNQ3-related conditions. This variant is not present in population databases (ExAC no frequency).

NM_004519.4(KCNQ3):c.2026A>G (p.Arg676Gly)

Gene: KCNQ3 (potassium voltage-gated channel subfamily Q member 3; minus strand). Cytogenetic location: 8q24.22.
Variant type: single nucleotide variant.
Coding change: c.2026A>G on transcript NM_004519.4 (MANE Select); coding-DNA position 2026, A replaced by G.
Protein change: p.Arg676Gly; replaces arginine 676 with glycine.
Molecular consequence: missense variant.
Genome position (GRCh38, 1-based): chr8:132,129,855, T>C on the plus strand (A>G on the coding strand, the complement: KCNQ3 is on the minus strand). VCF-style: chr8-132129855-T-C. GRCh37 (hg19) VCF-style: chr8-133142102-T-C.
Other names: c.1666A>G, p.Arg556Gly (NM_001204824.2); short protein forms R556G, R676G.
Identifiers: ClinVar variation 1006098 (VCV001006098.9), dbSNP rs1307554348, ClinGen allele CA372217104.